The following is an entry in ClinVar:

NM_001144967.3(NEDD4L):c.297+16701_297+17823del

Gene: NEDD4L (NEDD4 like E3 ubiquitin protein ligase; plus strand). Cytogenetic location: 18q21.31.
Variant type: Deletion.
Coding change: c.297+16701_297+17823del on transcript NM_001144967.3 (MANE Select); bases 16701 to 17823 of the intron after coding-DNA position 297, 1,123 bases deleted.
Molecular consequence: intron variant.
Genome position (GRCh38, 1-based): chr18:58,268,755-58,269,877, 1,123 bases deleted. GRCh37 (hg19): chr18:55,935,987-55,937,109.
Other names: c.297+16701_297+17823del (NM_015277.6, NM_001243960.2); c.-67+16701_-67+17823del (NM_001144964.1, NM_001144971.2, NM_001144965.2 and 2 more transcripts); c.273+16701_273+17823del (NM_001144968.2, NM_001144969.2).
Identifiers: ClinVar variation 157414 (VCV000157414.2), ClinGen allele CA212462.

ClinVar aggregate classification (germline): not provided (0 of 4 stars; one submission).

Conditions:
Normal pregnancy. Identifiers: MedGen C0232989.

Submission:

Institute of Molecular and Cell Biology, University of Tartu
No classification provided. Condition: Normal pregnancy. Review status: no classification provided. Collection method: case-control. Allele origin: unknown. Affected: yes. Study: Kasak2014.
Comment: The study aimed to determine the contribution of copy number variants in the genetic etiology of normal and complicated pregnancies. The samples represented (i) maternal blood DNA drawn from healthy pregnant women during 1st or 2nd trimester and (ii) maternal and paternal blood DNA drawn at term pregnancy cases representing normal and complicated gestations (severe preeclampsia, PE; gestational diabetes, GD; small-for-gestational age newborn, SGA; large-for-gestational age newborn, LGA). We performed CNV calling based on genome-wide genotyping dataset (Illumina HumanOmniExpress-24-v1 BeadChip) by applying three algorithms, QuantiSNP, GADA (Genome Alteration Detection Algorithm) and CNstream in parallel. The acquired CNV calls were merged with HD-CNV (Hotspot Detector for Copy Number Variants) program and only the CNVs predicted by at least two programs, were considered in subsequent analysis.

Literature cited by the submitters: PubMed 25666259.